The following is an entry in ClinVar:

ClinVar aggregate classification (germline): Uncertain significance. Review status: criteria provided, multiple submitters, no conflicts (2 of 4 stars). 3 submissions from 3 submitters: Uncertain significance (3). Last evaluated 2025-07-27.

Conditions:
Hereditary cancer-predisposing syndrome. Also called: Tumor predisposition; Hereditary neoplastic syndrome; Hereditary Cancer Syndrome; Neoplastic Syndromes, Hereditary. Identifiers: Orphanet 140162, MedGen C0027672, MeSH D009386, MONDO:0015356.
Gastrointestinal stromal tumor. Also called: Gastrointestinal stroma tumor; Gastrointestinal stromal tumor, somatic. Identifiers: Orphanet 44890, MedGen C0238198, MeSH D046152, MONDO:0011719, OMIM 606764, HP:0100723.

Allele frequency attached by ClinVar (database versions not stated): gnomAD exomes below 0.00001; TOPMed below 0.00001; gnomAD 0.00002.
gnomAD v4.1: 4 of 1,613,986 alleles (0.00025%); highest among the groups gnomAD compares: African/African-American, 0.0053%; no homozygotes.

Submissions (3):

Labcorp Genetics (formerly Invitae), Labcorp
Classification: Uncertain significance for Gastrointestinal stromal tumor. Last evaluated: 2025-07-27. Review status: criteria provided, single submitter. Criteria: Invitae Variant Classification Sherloc (09022015). Collection method: clinical testing. Allele origin: germline.
Comment: This sequence change replaces threonine, which is neutral and polar, with isoleucine, which is neutral and non-polar, at codon 574 of the KIT protein (p.Thr574Ile). This variant is present in population databases (no rsID available, gnomAD 0.007%). This variant has not been reported in the literature in individuals affected with KIT-related conditions. ClinVar contains an entry for this variant (Variation ID: 528560). An algorithm developed to predict the effect of missense changes on protein structure and function (PolyPhen-2) suggests that this variant is likely to be disruptive. In summary, the available evidence is currently insufficient to determine the role of this variant in disease. Therefore, it has been classified as a Variant of Uncertain Significance.

Ambry Genetics
Classification: Uncertain significance for Hereditary cancer-predisposing syndrome. Last evaluated: 2025-04-13. Review status: criteria provided, single submitter. Criteria: Ambry Variant Classification Scheme 2023. Collection method: clinical testing. Allele origin: germline.
Comment: The p.T574I variant (also known as c.1721C>T), located in coding exon 11 of the KIT gene, results from a C to T substitution at nucleotide position 1721. The threonine at codon 574 is replaced by isoleucine, an amino acid with similar properties. This amino acid position is highly conserved in available vertebrate species. In addition, this alteration is predicted to be deleterious by in silico analysis. Based on the available evidence, the clinical significance of this variant remains unclear.

Baylor Genetics
Classification: Uncertain significance for Gastrointestinal stromal tumor. Last evaluated: 2023-08-25. Review status: criteria provided, single submitter. Criteria: ACMG Guidelines, 2015. Collection method: clinical testing. Allele origin: unknown.

NM_000222.3(KIT):c.1721C>T (p.Thr574Ile)

Gene: KIT (KIT proto-oncogene, receptor tyrosine kinase; plus strand). Cytogenetic location: 4q12.
Variant type: single nucleotide variant.
Coding change: c.1721C>T on transcript NM_000222.3 (MANE Select); coding-DNA position 1721, C replaced by T.
Protein change: p.Thr574Ile; replaces threonine 574 with isoleucine.
Molecular consequence: missense variant.
Genome position (GRCh38, 1-based): chr4:54,727,489, C>T. VCF-style: chr4-54727489-C-T. GRCh37 (hg19) VCF-style: chr4-55593655-C-T.
Other names: c.1709C>T, p.Thr570Ile (NM_001093772.2, NM_001385286.1); c.1724C>T, p.Thr575Ile (NM_001385284.1, NM_001385290.1); c.1721C>T, p.Thr574Ile (NM_001385285.1); c.1712C>T, p.Thr571Ile (NM_001385288.1, NM_001385292.1); short protein forms T574I, T570I, T571I, T575I.
Identifiers: ClinVar variation 528560 (VCV000528560.12), dbSNP rs1307097576, ClinGen allele CA356907565.
Genomic context (GRCh38, chr4:54,727,489, plus strand): 5'-AAGTACAGTGGAAGGTTGTTGAGGAGATAAATGGAAACAATTATGTTTACATAGACCCAA[C>T]ACAACTTCCTTATGATCACAAATGGGAGTTTCCCAGAAACAGGCTGAGTTTTGGTCAGTA-3'
Protein context (NP_000213.1, residues 564-584): NGNNYVYIDP[Thr574Ile]QLPYDHKWEF